The following is an entry in ClinVar:

ClinVar aggregate classification (germline): Uncertain significance (1 of 4 stars; one submission).

gnomAD v4.1: 1 of 1,614,128 alleles (0.000062%); highest among the groups gnomAD compares: Non-Finnish European, 0.000085%; no homozygotes.

Submission:

Ambry Genetics
Classification: Uncertain significance. Last evaluated: 2024-04-06. Review status: criteria provided, single submitter. Criteria: Ambry Variant Classification Scheme 2023. Collection method: clinical testing. Allele origin: germline.
Comment: The p.L786I variant (also known as c.2356C>A), located in coding exon 4 of the ALPK2 gene, results from a C to A substitution at nucleotide position 2356. The leucine at codon 786 is replaced by isoleucine, an amino acid with highly similar properties. This amino acid position is conserved. In addition, this alteration is predicted to be tolerated by in silico analysis. Based on the available evidence, the clinical significance of this variant remains unclear.

NM_052947.4(ALPK2):c.2356C>A (p.Leu786Ile)

Gene: ALPK2 (alpha kinase 2; minus strand). Cytogenetic location: 18q21.31.
Variant type: single nucleotide variant.
Coding change: c.2356C>A on transcript NM_052947.4 (MANE Select); coding-DNA position 2356, C replaced by A.
Protein change: p.Leu786Ile; replaces leucine 786 with isoleucine.
Molecular consequence: missense variant.
Genome position (GRCh38, 1-based): chr18:58,537,831, G>T on the plus strand (C>A on the coding strand, the complement: ALPK2 is on the minus strand). VCF-style: chr18-58537831-G-T. GRCh37 (hg19) VCF-style: chr18-56205063-G-T.
Other names: short protein forms L786I.
Identifiers: ClinVar variation 3289422 (VCV003289422.1).
Genomic context (GRCh38, chr18:58,537,831, plus strand): 5'-ACTCCATTGCACACACTGCTTCTCTGTCCCTTGGCTCATCACACACATTTTCCAGGGTGA[G>T]GGCAGTATCTGTGGGTTCAGGGGAAGCAACAGAGACAGCCACAGGCTCCCTGAAGTCAGC-3'
Protein context (NP_443179.3, residues 776-796): VASPEPTDTA[Leu786Ile]TLENVCDEPR